The following is an entry in ClinVar:

ClinVar aggregate classification (germline): Uncertain significance. Review status: criteria provided, multiple submitters, no conflicts (2 of 4 stars). 2 submissions from 2 submitters: Uncertain significance (2). Last evaluated 2025-07-14.

Conditions:
Malignant hyperthermia, susceptibility to, 1 (MHS1). Also called: Anesthesia related hyperthermia; Malignant hyperpyrexia; Fulminating hyperpyrexia; Pharmacogenic myopathy; RYR1-Related Malignant Hyperthermia Susceptibility; Malignant hyperthermia suceptibility 1. Identifiers: Orphanet 423, MedGen C2930980, MONDO:0007783, OMIM 145600.

Allele frequency attached by ClinVar (database versions not stated): gnomAD exomes below 0.00001; TOPMed below 0.00001; gnomAD 0.00001.
gnomAD v4.1: 2 of 1,610,318 alleles (0.00012%); highest among the groups gnomAD compares: Admixed American, 0.0034%; no homozygotes.

Submissions (2):

Color Diagnostics, LLC DBA Color Health
Classification: Uncertain significance for Malignant hyperthermia, susceptibility to, 1. Last evaluated: 2025-07-14. Review status: criteria provided, single submitter. Criteria: ACMG Guidelines, 2015. Collection method: clinical testing. Allele origin: germline.
Comment: This missense variant replaces isoleucine with threonine at codon 4660 of the RYR1 protein. Computational prediction suggests that this variant may have deleterious impact on protein structure and function. To our knowledge, functional studies have not been reported for this variant. This variant has not been reported in individuals affected with RYR1-related disorders in the literature. This variant has been identified in 1/251244 chromosomes in the general population by the Genome Aggregation Database (gnomAD). The available evidence is insufficient to determine the role of this variant in disease conclusively. Therefore, this variant is classified as a Variant of Uncertain Significance.

All of Us Research Program, National Institutes of Health
Classification: Uncertain significance for Malignant hyperthermia, susceptibility to, 1. Last evaluated: 2024-05-14. Review status: criteria provided, single submitter. Criteria: ACMG Guidelines, 2015. Collection method: clinical testing. Allele origin: germline. Inheritance: Autosomal dominant inheritance. Observed: 3 variant alleles, 3 heterozygotes.
Comment: This missense variant replaces isoleucine with threonine at codon 4660 of the RYR1 protein. Computational prediction suggests that this variant may have deleterious impact on protein structure and function (internally defined REVEL score threshold >= 0.7, PMID: 27666373). To our knowledge, functional studies have not been reported for this variant. This variant has not been reported in individuals affected with RYR1-related disorders in the literature. This variant has been identified in 1/251244 chromosomes in the general population by the Genome Aggregation Database (gnomAD). The available evidence is insufficient to determine the role of this variant in disease conclusively. Therefore, this variant is classified as a Variant of Uncertain Significance.

This study involves interpretation of variants in research participants for the purpose of population health screening. Participant phenotype was not available at the time of variant classification. Additional details can be found in publication PMID: 35346344, PMCID: PMC8962531

NM_000540.3(RYR1):c.13979T>C (p.Ile4660Thr)

Gene: RYR1 (ryanodine receptor 1; plus strand). Cytogenetic location: 19q13.2.
Variant type: single nucleotide variant.
Coding change: c.13979T>C on transcript NM_000540.3 (MANE Select); coding-DNA position 13979, T replaced by C.
Protein change: p.Ile4660Thr; replaces isoleucine 4660 with threonine.
Molecular consequence: missense variant.
Genome position (GRCh38, 1-based): chr19:38,572,251, T>C. VCF-style: chr19-38572251-T-C. GRCh37 (hg19) VCF-style: chr19-39062891-T-C.
Other names: c.13964T>C, p.Ile4655Thr (NM_001042723.2); short protein forms I4655T, I4660T.
Identifiers: ClinVar variation 3072176 (VCV003072176.3), dbSNP rs1182844727, ClinGen allele CA405681518.